The following is an entry in ClinVar:

NM_000368.5(TSC1):c.360_361insGGCAGGAGGAGCCAAGATGGCCGAATAGGAACAGCTCCGGTCTACAGCTCCCAGCGTGAGCGACGCAGAAGNNNNNNNNNNAAAAAAAAAAAAAAAAAAAATAAAATGTCTC (p.Lys121fs)

Gene: TSC1 (TSC complex subunit 1; minus strand). Cytogenetic location: 9q34.13.
Variant type: Microsatellite.
Coding change: c.360_361insGGCAGGAGGAGCCAAGATGGCCGAATAGGAACAGCTCCGGTCTACAGCTCCCAGCGTGAGCGACGCAGAAGNNNNNNNNNNAAAAAAAAAAAAAAAAAAAATAAAATGTCTC on transcript NM_000368.5 (MANE Select); coding-DNA positions 360 to 361, GGCAGGAGGAGCCAAGATGGCCGAATAGGAACAGCTCCGGTCTACAGCTCCCAGCGTGAGCGACGCAGAAGNNNNNNNNNNAAAAAAAAAAAAAAAAAAAATAAAATGTCTC inserted.
Protein change: p.Lys121fs; shifts the reading frame from lysine 121.
Molecular consequence: frameshift variant. On other transcripts: intron variant (1), 5 prime UTR variant (1).
Genome position: GRCh38: chr9:132,925,590-132,925,600. GRCh37 (hg19): chr9:135,800,977-135,800,987.
Other names: c.210+1611_210+1612insTAAAATGTCTCGGCAGGAGGAGCCAAGATGGCCGAATAGGAACAGCTCCGGTCTACAGCTCCCAGCGTGAGCGACGCAGAAGNNNNNNNNNNAAAAAAAAAAAAAAAAAAAA (NM_001162427.2); c.360_361insGGCAGGAGGAGCCAAGATGGCCGAATAGGAACAGCTCCGGTCTACAGCTCCCAGCGTGAGCGACGCAGAAGNNNNNNNNNNAAAAAAAAAAAAAAAAAAAATAAAATGTCTC, p.Lys121fs (NM_001162426.2); c.-4_-3insGGCAGGAGGAGCCAAGATGGCCGAATAGGAACAGCTCCGGTCTACAGCTCCCAGCGTGAGCGACGCAGAAGNNNNNNNNNNAAAAAAAAAAAAAAAAAAAATAAAATGTCTC (NM_001362177.2); c.350_360TC[2][1], p.Lys118Serfs (NM_001406592.1, NM_001406593.1, NM_001406594.1 and 15 more transcripts); c.-106_-96TC[2][1] (NM_001406614.1, NM_001406616.1, NM_001406624.1); c.-139_-129TC[2][1] (NM_001406615.1, NM_001406623.1); c.-14_-4TC[2][1] (NM_001406617.1, NM_001406618.1, NM_001406619.1 and 4 more transcripts); c.-528_-518TC[2][1] (NM_001406626.1, NM_001406627.1, NM_001406628.1); and 2 more; short protein forms K121fs.
Identifiers: ClinVar variation 2020297 (VCV002020297.4).

ClinVar aggregate classification (germline): Pathogenic (1 of 4 stars; one submission).

Conditions:
Tuberous sclerosis 1 (TSC1). Identifiers: Orphanet 805, MedGen C1854465, MONDO:0008612, OMIM 191100.

Submission:

Labcorp Genetics (formerly Invitae), Labcorp
Classification: Pathogenic for Tuberous sclerosis 1. Last evaluated: 2022-07-29. Review status: criteria provided, single submitter. Criteria: Invitae Variant Classification Sherloc (09022015). Collection method: clinical testing. Allele origin: germline.
Comment: This sequence change inserts a large fragment of DNA, likely a transposable element, in exon 5 of the TSC1 gene (c.360_361ins?), causing a frameshift at codon 121 (p.Lys121fs). The exact size and sequence of the insertion cannot be determined by the current assay. However, the insertion is expected to result in an absent or disrupted protein product. This variant is not present in population databases (gnomAD no frequency). This variant has not been reported in the literature in individuals affected with TSC1-related conditions. Algorithms developed to predict the effect of sequence changes on RNA splicing suggest that this variant may disrupt the consensus splice site. Retrotransposon insertions including LINE1 (L1), Alu, and SVA (SINE-VNTR-Alu) have been reported to be disease-causing through disruption of either a coding region or splice site (PMID: 19763152, 20307669, 22406018) and loss-of-function variants in TSC1 are known to be pathogenic (PMID: 10227394, 17304050). For these reasons, this variant has been classified as Pathogenic.

Literature cited by the submitters: PubMed 19763152; PubMed 20307669; PubMed 22406018; PubMed 10227394; PubMed 17304050.